The following is an entry in ClinVar:

ClinVar aggregate classification (germline): Uncertain significance (1 of 4 stars; one submission).

Submission:

GeneDx
Classification: Uncertain significance. Last evaluated: 2025-03-20. Review status: criteria provided, single submitter. Criteria: GeneDx Variant Classification Process June 2021. Collection method: clinical testing. Allele origin: germline. Affected: yes.
Comment: Not observed at significant frequency in large population cohorts (gnomAD); In silico analysis indicates that this missense variant does not alter protein structure/function; Has not been previously published as pathogenic or benign to our knowledge

NM_197968.4(ZMYM2):c.2956A>G (p.Asn986Asp)

Gene: ZMYM2 (zinc finger MYM-type containing 2; plus strand). Cytogenetic location: 13q12.11.
Variant type: single nucleotide variant.
Coding change: c.2956A>G on transcript NM_197968.4 (MANE Select); coding-DNA position 2956, A replaced by G.
Protein change: p.Asn986Asp; replaces asparagine 986 with aspartic acid.
Molecular consequence: missense variant. On other transcripts: non-coding transcript variant (1).
Genome position (GRCh38, 1-based): chr13:20,062,890, A>G. VCF-style: chr13-20062890-A-G. GRCh37 (hg19) VCF-style: chr13-20637030-A-G.
Other names: c.2956A>G, p.Asn986Asp (NM_001190964.4, NM_001190965.4, NM_001353157.2 and 5 more transcripts); c.2761A>G, p.Asn921Asp (NM_001353161.3); c.2695A>G, p.Asn899Asp (NM_001353163.2); short protein forms N899D, N921D, N986D.
Identifiers: ClinVar variation 4086559 (VCV004086559.1).